The following is an entry in ClinVar:

ClinVar aggregate classification (germline): Conflicting classifications of pathogenicity. Review status: criteria provided, conflicting classifications (1 of 4 stars). 2 submissions from 2 submitters: Uncertain significance (1); Likely benign (1). Last evaluated 2026-09-08.

Conditions:
Gastrointestinal stromal tumor. Also called: Gastrointestinal stroma tumor; Gastrointestinal stromal tumor, somatic. Identifiers: Orphanet 44890, MedGen C0238198, MeSH D046152, MONDO:0011719, OMIM 606764, HP:0100723.
Hereditary cancer-predisposing syndrome. Also called: Hereditary Cancer Syndrome; Hereditary neoplastic syndrome; Neoplastic Syndromes, Hereditary; Tumor predisposition. Identifiers: Orphanet 140162, MedGen C0027672, MeSH D009386, MONDO:0015356.

Submissions (2):

Ambry Genetics
Classification: Uncertain significance for Hereditary cancer-predisposing syndrome. Last evaluated: 2026-09-08. Review status: criteria provided, single submitter. Criteria: Ambry Variant Classification Scheme 2023. Collection method: clinical testing. Allele origin: germline.
Comment: The c.933A>G variant (also known as p.G311G), located in coding exon 6 of the KIT gene, results from an A to G substitution at nucleotide position 933. This nucleotide substitution does not change the amino acid at codon 311. This nucleotide position is well conserved in available vertebrate species. In silico splice site analysis for this alteration is inconclusive. Based on the available evidence, the clinical significance of this variant remains unclear.

Labcorp Genetics (formerly Invitae), Labcorp
Classification: Likely benign for Gastrointestinal stromal tumor. Last evaluated: 2024-03-01. Review status: criteria provided, single submitter. Criteria: Invitae Variant Classification Sherloc (09022015). Collection method: clinical testing. Allele origin: germline.

NM_000222.3(KIT):c.933A>G (p.Gly311=)

Gene: KIT (KIT proto-oncogene, receptor tyrosine kinase; plus strand). Cytogenetic location: 4q12.
Variant type: single nucleotide variant.
Coding change: c.933A>G on transcript NM_000222.3 (MANE Select); coding-DNA position 933, A replaced by G.
Protein change: p.Gly311=; no amino-acid change (glycine 311 retained).
Molecular consequence: synonymous variant.
Genome position (GRCh38, 1-based): chr4:54,707,105, A>G. VCF-style: chr4-54707105-A-G. GRCh37 (hg19) VCF-style: chr4-55573271-A-G.
Other names: c.933A>G, p.Gly311= (NM_001093772.2, NM_001385285.1, NM_001385286.1); c.936A>G, p.Gly312= (NM_001385284.1, NM_001385288.1, NM_001385290.1 and 1 more transcripts).
Identifiers: ClinVar variation 2791886 (VCV002791886.4), dbSNP rs2475478216, ClinGen allele CA439288570.
Genomic context (GRCh38, chr4:54,707,105, plus strand): 5'-TGTCCAGTAGTTGTAGATAATGGTTTCTTTCTGTCTTATTTCATTCTAATTAGATAAAGG[A>G]TTCATTAATATCTTCCCCATGATAAACACTACAGTATTTGTAAACGATGGAGAAAATGTA-3'
Protein context (NP_000213.1, residues 301-321): VTTTLEVVDK[Gly311=]FINIFPMINT